The following is an entry in ClinVar:

NM_001042492.3(NF1):c.496_497del (p.Val166fs)

Gene: NF1 (neurofibromin 1; plus strand). Cytogenetic location: 17q11.2.
Variant type: Deletion.
Coding change: c.496_497del on transcript NM_001042492.3 (MANE Select); coding-DNA positions 496 to 497, 2 bases deleted (GT; older notation c.496_497delGT).
Protein change: p.Val166fs; shifts the reading frame from valine 166.
Molecular consequence: frameshift variant.
Genome position (GRCh38, 1-based): chr17:31,169,907-31,169,908, GT deleted; deleting any 2 consecutive bases within chr17:31,169,906-31,169,908 gives the same sequence; the c. name uses the placement nearest the transcript's 3' end. VCF-style (leftmost placement, unchanged base first): chr17-31169905-CTG-C. GRCh37 (hg19) VCF-style: chr17-29496923-CTG-C.
Other names: c.496_497delGT, p.Val166Leufs (NM_000267.4, NM_001042492.2); c.496_497del, p.Val166fs (NM_001128147.3); c.496_497delGT (NM_000267.3); short protein forms V166fs.
Identifiers: ClinVar variation 431562 (VCV000431562.30), dbSNP rs1135402788, ClinGen allele CA645372607.

ClinVar aggregate classification (germline): Pathogenic. Review status: criteria provided, multiple submitters, no conflicts (2 of 4 stars). 9 submissions from 9 submitters: Pathogenic (6). 3 of the submissions do not count toward it. Last evaluated 2025-08-25.

Conditions:
NF1-related disorder. Also called: NF1-related condition. Identifiers: MedGen CN379171.
Neurofibromatosis, type 1 (NF1). Also called: Neurofibromatosis, type I; Peripheral type neurofibromatosis; VON RECKLINGHAUSEN DISEASE; NEUROFIBROMATOSIS, TYPE I, SOMATIC. Identifiers: Orphanet 636, MedGen C0027831, MONDO:0018975, OMIM 162200. Disease mechanism: loss of function.
Hereditary cancer-predisposing syndrome. Also called: Hereditary Cancer Syndrome; Hereditary neoplastic syndrome; Neoplastic Syndromes, Hereditary; Tumor predisposition. Identifiers: Orphanet 140162, MedGen C0027672, MeSH D009386, MONDO:0015356.
Cardiovascular phenotype. Identifiers: MedGen CN230736.
Gastric cancer. Also called: Malignant tumor of stomach; Stomach cancer. Identifiers: MedGen C0024623, MeSH D013274, MONDO:0001056, OMIM 613659, HP:0012126.

Submissions (9):

Labcorp Genetics (formerly Invitae), Labcorp
Classification: Pathogenic for Neurofibromatosis, type 1. Last evaluated: 2025-08-25. Review status: criteria provided, single submitter. Criteria: Invitae Variant Classification Sherloc (09022015). Collection method: clinical testing. Allele origin: germline.
Comment: This sequence change creates a premature translational stop signal (p.Val166Leufs*7) in the NF1 gene. It is expected to result in an absent or disrupted protein product. Loss-of-function variants in NF1 are known to be pathogenic (PMID: 10712197, 23913538). This variant is not present in population databases (gnomAD no frequency). This premature translational stop signal has been observed in individual(s) with neurofibromatosis type 1 (PMID: 10726756, 18041031). Invitae Evidence Modeling of clinical and family history, age, sex, and reported ancestry of multiple individuals with this NF1 variant has been performed. This variant is expected to be pathogenic with a positive predictive value of at least 99%. This is a validated machine learning model that incorporates the clinical features of 1,785,918 individuals referred to our laboratory for NF1 testing. ClinVar contains an entry for this variant (Variation ID: 431562). For these reasons, this variant has been classified as Pathogenic.

Blueprint Genetics
Classification: Pathogenic for NF1-related disorders. Last evaluated: 2023-07-17. Review status: criteria provided, single submitter. Criteria: ACMG Guidelines, 2015. Collection method: clinical testing. Allele origin: germline. Affected: yes. Observed: 1 variant allele.

GeneDx
Classification: Pathogenic. Last evaluated: 2022-09-21. Review status: criteria provided, single submitter. Criteria: GeneDx Variant Classification Process June 2021. Collection method: clinical testing. Allele origin: germline. Affected: yes.
Comment: Frameshift variant predicted to result in protein truncation or nonsense mediated decay in a gene for which loss of function is a known mechanism of disease; Not observed at significant frequency in large population cohorts (gnomAD); This variant is associated with the following publications: (PMID: 10726756, 18041031, 32554297, 32980694, 23913538, 30287823)

Ambry Genetics
Classification: Pathogenic for Cardiovascular phenotype; Hereditary cancer-predisposing syndrome. Last evaluated: 2022-08-24. Review status: criteria provided, single submitter. Criteria: Ambry Variant Classification Scheme 2023. Collection method: clinical testing. Allele origin: germline.
Comment: The c.496_497delGT pathogenic mutation, located in coding exon 5 of the NF1 gene, results from a deletion of two nucleotides at nucleotide positions 496 to 497, causing a translational frameshift with a predicted alternate stop codon (p.V166Lfs*7). This mutation was detected in multiple unrelated individuals with neurofibromatosis type 1 (Fahsold R et al. Am J Hum Genet, 2000 Mar;66:790-818; Yoshida Y et al. J Dermatol, 2018 Mar;45:363-364; Shi L et al. Stem Cell Res, 2020 07;46:101842). This alteration is expected to result in loss of function by premature protein truncation or nonsense-mediated mRNA decay. As such, this alteration is interpreted as a disease-causing mutation.

Genome-Nilou Lab
Classification: Pathogenic for Neurofibromatosis, type 1. Last evaluated: 2022-03-15. Review status: criteria provided, single submitter. Criteria: ACMG Guidelines, 2015. Collection method: clinical testing. Allele origin: germline. Affected: no.

Center for Human Genetics, Inc
Classification: Pathogenic for Neurofibromatosis, type 1. Last evaluated: 2018-06-01. Review status: criteria provided, single submitter. Criteria: ACMG Guidelines, 2015. Collection method: clinical testing. Allele origin: germline. Affected: yes.

Laboratory for Genotyping Development, RIKEN
Classification: Pathogenic for Gastric cancer. Last evaluated: 2021-07-01. Review status: no assertion criteria provided. Collection method: research. Allele origin: germline. Not counted in ClinVar's aggregate classification.

Medical Genetics, University of Parma
Classification: Pathogenic for Neurofibromatosis type 1. Last evaluated: 2017-02-02. Review status: no assertion criteria provided. Collection method: clinical testing. Allele origin: germline. Affected: yes. Not counted in ClinVar's aggregate classification.

Division of Human Genetics, National Health Laboratory Service/University of the Witwatersrand
Classification: Pathogenic for Neurofibromatosis, type 1. Review status: no assertion criteria provided. Collection method: research. Allele origin: unknown. Affected: yes. Observed: 1 variant allele. Not counted in ClinVar's aggregate classification.

Literature cited by the submitters: PubMed 10712197 (cited by Labcorp Genetics (formerly Invitae), Labcorp); PubMed 23913538 (cited by Labcorp Genetics (formerly Invitae), Labcorp); PubMed 10726756 (cited by Labcorp Genetics (formerly Invitae), Labcorp); PubMed 18041031 (cited by Labcorp Genetics (formerly Invitae), Labcorp); PubMed 36988593 (cited by Laboratory for Genotyping Development, RIKEN).